The following is an entry in ClinVar:

ClinVar aggregate classification (germline): Pathogenic/Likely pathogenic. Review status: criteria provided, multiple submitters, no conflicts (2 of 4 stars). 5 submissions from 5 submitters: Pathogenic (3); Likely pathogenic (1). 1 of the submissions does not count toward it. Last evaluated 2026-01-30.

Conditions:
Cardiovascular phenotype. Identifiers: MedGen CN230736.
Cardiomyopathy (CMYO). Also called: Cardiomyopathies. Identifiers: Orphanet 167848, MedGen C0878544, MONDO:0004994, HP:0001638. Inheritance: Various modes of inheritance.
Hypertrophic cardiomyopathy 4. Also called: Familial hypertrophic cardiomyopathy 4. Identifiers: MedGen C1861862, MONDO:0007268, OMIM 115197.
Hypertrophic cardiomyopathy. Also called: HYPERTROPHIC MYOCARDIOPATHY. Identifiers: Orphanet 217569, MedGen C0007194, MeSH D002312, MONDO:0005045, HP:0001639.

Allele frequency attached by ClinVar (database versions not stated): gnomAD exomes below 0.00001; ExAC 0.00001.
gnomAD v4.1: 1 of 802,048 alleles (0.00012%); highest among the groups gnomAD compares: Non-Finnish European, 0.00022%; no homozygotes.

Submissions (5):

Ambry Genetics
Classification: Likely pathogenic for Cardiovascular phenotype. Last evaluated: 2026-01-30. Review status: criteria provided, single submitter. Criteria: Ambry Variant Classification Scheme 2023. Collection method: clinical testing. Allele origin: germline.
Comment: The c.906-1G>C intronic variant results from a G to C substitution one nucleotide upstream from coding exon 10 of the MYBPC3 gene. This variant was reported in individual(s) with hypertrophic cardiomyopathy (Frank-Hansen R et al. Eur J Hum Genet, 2008 Sep;16:1062-9; Mademont-Soler I et al. PLoS One, 2017 Aug;12:e0181465; Ambry internal data; external communication). RNA studies have demonstrated that this variant results in abnormal splicing in the set of samples tested (Frank-Hansen R et al. Eur J Hum Genet, 2008 Sep;16:1062-9). This variant is considered to be rare based on population cohorts in the Genome Aggregation Database (gnomAD). This nucleotide position is highly conserved in available vertebrate species. In silico splice site analysis predicts that this alteration will weaken the native splice acceptor site and may result in the creation or strengthening of a novel splice acceptor site. Alterations that disrupt the canonical splice site are expected to cause aberrant splicing, resulting in an abnormal protein or a transcript that is subject to nonsense-mediated mRNA decay. As such, this alteration is classified as likely pathogenic.

Labcorp Genetics (formerly Invitae), Labcorp
Classification: Pathogenic for Hypertrophic cardiomyopathy. Last evaluated: 2023-03-02. Review status: criteria provided, single submitter. Criteria: Invitae Variant Classification Sherloc (09022015). Collection method: clinical testing. Allele origin: germline.
Comment: Disruption of this splice site has been observed in individuals with hypertrophic cardiomyoapthy and/or hypertrophic cardiomyopathy (PMID: 18337725; Invitae). ClinVar contains an entry for this variant (Variation ID: 8619). Studies have shown that disruption of this splice site results in activates a cryptic splice site resulting in a 34 nt intron inclusion. and introduces a premature termination codon (PMID: 18337725). The resulting mRNA is expected to undergo nonsense-mediated decay. For these reasons, this variant has been classified as Pathogenic. This variant is present in population databases (rs587776700, gnomAD 0.0009%). This sequence change affects an acceptor splice site in intron 9 of the MYBPC3 gene. RNA analysis indicates that disruption of this splice site induces altered splicing and may result in an absent or disrupted protein product.

CHEO Genetics Diagnostic Laboratory, Children's Hospital of Eastern Ontario
Classification: Pathogenic for Cardiomyopathy. Last evaluated: 2022-04-29. Review status: criteria provided, single submitter. Criteria: ACMG Guidelines, 2015. Collection method: clinical testing. Allele origin: germline.

GeneDx
Classification: Pathogenic. Last evaluated: 2022-04-01. Review status: criteria provided, single submitter. Criteria: GeneDx Variant Classification Process June 2021. Collection method: clinical testing. Allele origin: germline. Affected: yes.
Comment: Not observed at significant frequency in large population cohorts (gnomAD); Canonical splice site variant predicted to result in a null allele in a gene for which loss of function is a known mechanism of disease; Published functional study demonstrates a damaging effect by activation of a cryptic splice site and produces a frameshift and eventual protein truncation in exon 12 (Frank-Hansen et al., 2008); This variant is associated with the following publications: (PMID: 19574547, 29493010, 29998127, 24704860, 28771489, 18337725)

OMIM
Classification: Pathogenic for CARDIOMYOPATHY, FAMILIAL HYPERTROPHIC, 4. Last evaluated: 2008-09-01. Review status: no assertion criteria provided. Collection method: literature only. Allele origin: germline. Not counted in ClinVar's aggregate classification.

Literature cited by the submitters: PubMed 18337725 (cited by 3 submitters); PubMed 28771489 (cited by Ambry Genetics).

NM_000256.3(MYBPC3):c.906-1G>C

Gene: MYBPC3 (myosin binding protein C3; minus strand). Cytogenetic location: 11p11.2.
Variant type: single nucleotide variant.
Coding change: c.906-1G>C on transcript NM_000256.3 (MANE Select); the canonical splice acceptor site of the intron before coding-DNA position 906, G replaced by C.
Molecular consequence: splice acceptor variant.
Genome position (GRCh38, 1-based): chr11:47,347,030, C>G on the plus strand (G>C on the coding strand, the complement: MYBPC3 is on the minus strand). VCF-style: chr11-47347030-C-G. GRCh37 (hg19) VCF-style: chr11-47368581-C-G.
Other names: IVS9, G-C, -1.
Identifiers: ClinVar variation 8619 (VCV000008619.20), dbSNP rs587776700, ClinGen allele CA016027.